The following is an entry in ClinVar:

NM_199420.4(POLQ):c.7226C>G (p.Ala2409Gly)

Gene: POLQ (DNA polymerase theta; minus strand). Cytogenetic location: 3q13.33.
Variant type: single nucleotide variant.
Coding change: c.7226C>G on transcript NM_199420.4 (MANE Select); coding-DNA position 7226, C replaced by G.
Protein change: p.Ala2409Gly; replaces alanine 2409 with glycine.
Molecular consequence: missense variant.
Genome position (GRCh38, 1-based): chr3:121,449,353, G>C on the plus strand (C>G on the coding strand, the complement: POLQ is on the minus strand). VCF-style: chr3-121449353-G-C. GRCh37 (hg19) VCF-style: chr3-121168200-G-C.
Other names: short protein forms A2409G.
Identifiers: ClinVar variation 1757781 (VCV001757781.2), dbSNP rs2546755931, ClinGen allele CA354102348.

ClinVar aggregate classification (germline): Uncertain significance (1 of 4 stars; one submission).

Submission:

Ambry Genetics
Classification: Uncertain significance. Last evaluated: 2021-11-27. Review status: criteria provided, single submitter. Criteria: Ambry Variant Classification Scheme 2023. Collection method: clinical testing. Allele origin: germline.
Comment: The p.A2409G variant (also known as c.7226C>G), located in coding exon 26 of the POLQ gene, results from a C to G substitution at nucleotide position 7226. The alanine at codon 2409 is replaced by glycine, an amino acid with similar properties. This amino acid position is conserved. In addition, this alteration is predicted to be deleterious by in silico analysis. Since supporting evidence is limited at this time, the clinical significance of this alteration remains unclear.